The following is an entry in ClinVar:

ClinVar aggregate classification (germline): Benign. Review status: criteria provided, single submitter (1 of 4 stars). 2 submissions from 2 submitters: Benign (1). 1 of the submissions does not count toward it. Last evaluated 2025-05-19.

Conditions:
Autosomal dominant polycystic kidney disease. Identifiers: Orphanet 730, MedGen C0085413, MONDO:0004691.
PKD2-related disorder. Also called: PKD2-related condition.

Submissions (2):

Labcorp Genetics (formerly Invitae), Labcorp
Classification: Benign for Autosomal dominant polycystic kidney disease. Last evaluated: 2025-05-19. Review status: criteria provided, single submitter. Criteria: Invitae Variant Classification Sherloc (09022015). Collection method: clinical testing. Allele origin: germline.

PreventionGenetics, part of Exact Sciences
Classification: Likely benign for PKD2-related condition. Last evaluated: 2022-09-03. Review status: no assertion criteria provided. Collection method: clinical testing. Allele origin: germline. Not counted in ClinVar's aggregate classification.
Comment: This variant is classified as likely benign based on ACMG/AMP sequence variant interpretation guidelines (Richards et al. 2015 PMID: 25741868, with internal and published modifications).

NM_000297.4(PKD2):c.2671-3dup

Gene: PKD2 (polycystin 2, transient receptor potential cation channel; plus strand). Cytogenetic location: 4q22.1.
Variant type: Duplication.
Coding change: c.2671-3dup on transcript NM_000297.4 (MANE Select); 3 bases into the intron before coding-DNA position 2671, one base duplicated (T; older notation c.2671-3dupT).
Molecular consequence: intron variant.
Genome position (GRCh38, 1-based): chr4:88,075,455, T duplicated; the last of 5 consecutive T bases (chr4:88,075,451-88,075,455); duplicating any one gives the same sequence. VCF-style (leftmost placement, unchanged base first): chr4-88075450-C-CT. GRCh37 (hg19) VCF-style: chr4-88996602-C-CT.
Other names: c.2671-3dupT (NM_000297.3).
Identifiers: ClinVar variation 2721731 (VCV002721731.5), dbSNP rs762511943, ClinGen allele CA3004332.
Genomic context (GRCh38, chr4:88,075,450, plus strand): 5'-TGGTCCCTGGACTTCCTAAGGCATTTCCTTCTACTGCCCCCAACACCAGTTTCTTTTTCC[C>CT]TTTTTAGGATGAAAGGCTGGGTCGTGACAGTGAAATCCATAGGGAACAGATGGAACGGCT-3'